The following is an entry in ClinVar:

ClinVar aggregate classification (germline): Uncertain significance (1 of 4 stars; one submission).

Allele frequency attached by ClinVar (database versions not stated): gnomAD 0.00001; gnomAD exomes below 0.00001.
gnomAD v4.1: 2 of 1,613,862 alleles (0.00012%); highest among the groups gnomAD compares: South Asian, 0.0011%; no homozygotes.

Submission:

Ambry Genetics
Classification: Uncertain significance. Last evaluated: 2025-05-02. Review status: criteria provided, single submitter. Criteria: Ambry Variant Classification Scheme 2023. Collection method: clinical testing. Allele origin: germline.
Comment: The p.R361W variant (also known as c.1081C>T), located in coding exon 9 of the FAM175A gene, results from a C to T substitution at nucleotide position 1081. The arginine at codon 361 is replaced by tryptophan, an amino acid with dissimilar properties. This amino acid position is conserved. In addition, the in silico prediction for this alteration is inconclusive. Since supporting evidence is limited at this time, the clinical significance of this alteration remains unclear.

NM_139076.3(ABRAXAS1):c.1081C>T (p.Arg361Trp)

Gene: ABRAXAS1 (abraxas 1, BRCA1 A complex subunit; minus strand). Cytogenetic location: 4q21.23.
Variant type: single nucleotide variant.
Coding change: c.1081C>T on transcript NM_139076.3 (MANE Select); coding-DNA position 1081, C replaced by T.
Protein change: p.Arg361Trp; replaces arginine 361 with tryptophan.
Molecular consequence: missense variant.
Genome position (GRCh38, 1-based): chr4:83,462,618, G>A on the plus strand (C>T on the coding strand, the complement: ABRAXAS1 is on the minus strand). VCF-style: chr4-83462618-G-A. GRCh37 (hg19) VCF-style: chr4-84383771-G-A.
Other names: c.754C>T, p.Arg252Trp (NM_001345962.2); short protein forms R252W, R361W.
Identifiers: ClinVar variation 1800383 (VCV001800383.3), dbSNP rs1345611154, ClinGen allele CA357255214.